The following is an entry in ClinVar:

ClinVar aggregate classification (germline): Likely benign. Review status: criteria provided, multiple submitters, no conflicts (2 of 4 stars). 2 submissions from 2 submitters: Likely benign (2). Last evaluated 2026-05-04.

Conditions:
Malignant hyperthermia, susceptibility to, 1 (MHS1). Also called: Anesthesia related hyperthermia; Malignant hyperpyrexia; Fulminating hyperpyrexia; Pharmacogenic myopathy; RYR1-Related Malignant Hyperthermia Susceptibility; Malignant hyperthermia suceptibility 1. Identifiers: Orphanet 423, MedGen C2930980, MONDO:0007783, OMIM 145600.

Submissions (2):

Women's Health and Genetics/Laboratory Corporation of America, LabCorp
Classification: Likely benign. Last evaluated: 2026-05-04. Review status: criteria provided, single submitter. Criteria: LabCorp Variant Classification Summary - May 2015. Collection method: clinical testing. Allele origin: germline.

All of Us Research Program, National Institutes of Health
Classification: Likely benign for Malignant hyperthermia, susceptibility to, 1. Last evaluated: 2023-02-24. Review status: criteria provided, single submitter. Criteria: ACMG Guidelines, 2015. Collection method: clinical testing. Allele origin: germline. Inheritance: Autosomal dominant inheritance. Observed: 1 variant allele, 1 heterozygote.
Comment: This study involves interpretation of variants in research participants for the purpose of population health screening. Participant phenotype was not available at the time of variant classification. Additional details can be found in publication PMID: 35346344, PMCID: PMC8962531

NM_000540.3(RYR1):c.303G>C (p.Leu101=)

Gene: RYR1 (ryanodine receptor 1; plus strand). Cytogenetic location: 19q13.2.
Variant type: single nucleotide variant.
Coding change: c.303G>C on transcript NM_000540.3 (MANE Select); coding-DNA position 303, G replaced by C.
Protein change: p.Leu101=; no amino-acid change (leucine 101 retained).
Molecular consequence: synonymous variant.
Genome position (GRCh38, 1-based): chr19:38,443,590, G>C. VCF-style: chr19-38443590-G-C. GRCh37 (hg19) VCF-style: chr19-38934230-G-C.
Other names: c.303G>C, p.Leu101= (NM_001042723.2).
Identifiers: ClinVar variation 3069618 (VCV003069618.2), dbSNP rs2513971336, ClinGen allele CA507239105.